The following is an entry in ClinVar:

NM_018344.6(SLC29A3):c.145C>T (p.Arg49Cys)

Gene: SLC29A3 (solute carrier family 29 member 3; plus strand). Cytogenetic location: 10q22.1.
Variant type: single nucleotide variant.
Coding change: c.145C>T on transcript NM_018344.6 (MANE Select); coding-DNA position 145, C replaced by T.
Protein change: p.Arg49Cys; replaces arginine 49 with cysteine.
Molecular consequence: missense variant. On other transcripts: 5 prime UTR variant (1), non-coding transcript variant (2).
Genome position (GRCh38, 1-based): chr10:71,322,899, C>T. VCF-style: chr10-71322899-C-T. GRCh37 (hg19) VCF-style: chr10-73082656-C-T.
Other names: c.145C>T, p.Arg49Cys (NM_001174098.2); c.-90C>T (NM_001363518.2); short protein forms R49C.
Identifiers: ClinVar variation 940035 (VCV000940035.7), dbSNP rs199619817, ClinGen allele CA5542832.

ClinVar aggregate classification (germline): Uncertain significance (1 of 4 stars; one submission).

Conditions:
H syndrome. Also called: HISTIOCYTOSIS AND LYMPHADENOPATHY WITH OR WITHOUT CUTANEOUS, CARDIAC, AND/OR ENDOCRINE FEATURES, JOINT CONTRACTURES, AND/OR DEAFNESS; HYPERPIGMENTATION, CUTANEOUS, WITH HYPERTRICHOSIS, HEPATOSPLENOMEGALY, HEART ANOMALIES, AND HYPOGONADISM WITH OR WITHOUT HEARING LOSS; PIGMENTED HYPERTRICHOSIS WITH INSULIN-DEPENDENT DIABETES MELLITUS; ROSAI-DORFMAN DISEASE, FAMILIAL; SINUS HISTIOCYTOSIS AND MASSIVE LYMPHADENOPATHY; Hyperpigmentation, Cutaneous, with Hypertrichosis, Hepatosplenomegaly, Heart Anomalies, Hearing Loss, and Hypogonadism. Identifiers: Orphanet 168569, MedGen C1864445, MONDO:0011273, OMIM 602782.

Allele frequency attached by ClinVar (database versions not stated): TOPMed 0.00003; 1000 Genomes Project 30x 0.00031; 1000 Genomes Project 0.00040.
gnomAD v4.1: 118 of 1,614,240 alleles (0.0073%); highest among the groups gnomAD compares: East Asian, 0.17%; no homozygotes.

Submission:

Labcorp Genetics (formerly Invitae), Labcorp
Classification: Uncertain significance for H syndrome. Last evaluated: 2022-07-19. Review status: criteria provided, single submitter. Criteria: Invitae Variant Classification Sherloc (09022015). Collection method: clinical testing. Allele origin: germline.
Comment: This sequence change replaces arginine, which is basic and polar, with cysteine, which is neutral and slightly polar, at codon 49 of the SLC29A3 protein (p.Arg49Cys). This variant is present in population databases (rs199619817, gnomAD 0.02%). This variant has not been reported in the literature in individuals affected with SLC29A3-related conditions. ClinVar contains an entry for this variant (Variation ID: 940035). Algorithms developed to predict the effect of missense changes on protein structure and function are either unavailable or do not agree on the potential impact of this missense change (SIFT: "Deleterious"; PolyPhen-2: "Possibly Damaging"; Align-GVGD: "Class C0"). In summary, the available evidence is currently insufficient to determine the role of this variant in disease. Therefore, it has been classified as a Variant of Uncertain Significance.